The following is an entry in ClinVar:

NM_144573.4(NEXN):c.1072C>T (p.Pro358Ser)

Gene: NEXN (nexilin F-actin binding protein; plus strand). Cytogenetic location: 1p31.1.
Variant type: single nucleotide variant.
Coding change: c.1072C>T on transcript NM_144573.4 (MANE Select); coding-DNA position 1072, C replaced by T.
Protein change: p.Pro358Ser; replaces proline 358 with serine.
Molecular consequence: missense variant.
Genome position (GRCh38, 1-based): chr1:77,933,300, C>T. VCF-style: chr1-77933300-C-T. GRCh37 (hg19) VCF-style: chr1-78398985-C-T.
Other names: c.880C>T, p.Pro294Ser (NM_001172309.2); c.1072C>T (NM_144573.3); short protein forms P294S, P358S.
Identifiers: ClinVar variation 1037573 (VCV001037573.7), dbSNP rs998636692, ClinGen allele CA24684103.

ClinVar aggregate classification (germline): Uncertain significance. Review status: criteria provided, multiple submitters, no conflicts (2 of 4 stars). 2 submissions from 2 submitters: Uncertain significance (2). Last evaluated 2025-06-13.

Conditions:
Cardiovascular phenotype. Identifiers: MedGen CN230736.
Dilated cardiomyopathy 1CC (CMD1CC). Identifiers: Orphanet 154, MedGen C2751084, MONDO:0013147, OMIM 613122.
Hypertrophic cardiomyopathy 20. Identifiers: MedGen C3151267, MONDO:0013477, OMIM 613876.

Allele frequency attached by ClinVar (database versions not stated): gnomAD exomes below 0.00001 and 0.00001; TOPMed 0.00002.
gnomAD v4.1: 4 of 1,598,194 alleles (0.00025%); highest among the groups gnomAD compares: Admixed American, 0.0033%; no homozygotes.

Submissions (2):

Labcorp Genetics (formerly Invitae), Labcorp
Classification: Uncertain significance for Dilated cardiomyopathy 1CC; Hypertrophic cardiomyopathy 20. Last evaluated: 2025-06-13. Review status: criteria provided, single submitter. Criteria: Invitae Variant Classification Sherloc (09022015). Collection method: clinical testing. Allele origin: germline.
Comment: This sequence change replaces proline, which is neutral and non-polar, with serine, which is neutral and polar, at codon 358 of the NEXN protein (p.Pro358Ser). This variant is present in population databases (no rsID available, gnomAD 0.003%). This variant has not been reported in the literature in individuals affected with NEXN-related conditions. ClinVar contains an entry for this variant (Variation ID: 1037573). Invitae Evidence Modeling of protein sequence and biophysical properties (such as structural, functional, and spatial information, amino acid conservation, physicochemical variation, residue mobility, and thermodynamic stability) indicates that this missense variant is not expected to disrupt NEXN protein function with a negative predictive value of 80%. In summary, the available evidence is currently insufficient to determine the role of this variant in disease. Therefore, it has been classified as a Variant of Uncertain Significance.

Ambry Genetics
Classification: Uncertain significance for Cardiovascular phenotype. Last evaluated: 2025-02-09. Review status: criteria provided, single submitter. Criteria: Ambry Variant Classification Scheme 2023. Collection method: clinical testing. Allele origin: germline.
Comment: The p.P358S variant (also known as c.1072C>T), located in coding exon 9 of the NEXN gene, results from a C to T substitution at nucleotide position 1072. The proline at codon 358 is replaced by serine, an amino acid with similar properties. This amino acid position is conserved. In addition, this alteration is predicted to be tolerated by in silico analysis. Based on the available evidence, the clinical significance of this variant remains unclear.